The following is an entry in ClinVar:

NM_203446.3(SYNJ1):c.*88G>C

Gene: SYNJ1 (synaptojanin 1; minus strand). Cytogenetic location: 21q22.11.
Variant type: single nucleotide variant.
Coding change: c.*88G>C on transcript NM_203446.3 (MANE Select); 88 bases downstream of the stop codon, G replaced by C.
Molecular consequence: 3 prime UTR variant. On other transcripts: missense variant (2).
Genome position (GRCh38, 1-based): chr21:32,631,717, C>G on the plus strand (G>C on the coding strand, the complement: SYNJ1 is on the minus strand). VCF-style: chr21-32631717-C-G. GRCh37 (hg19) VCF-style: chr21-34004027-C-G.
Other names: c.*88G>C (NM_001160302.2); c.3859G>C, p.Ala1287Pro (NM_001160306.2); c.4117G>C, p.Ala1373Pro (NM_003895.4); short protein forms A1287P, A1373P.
Identifiers: ClinVar variation 1051293 (VCV001051293.9), dbSNP rs2145660026, ClinGen allele CA410083142.

ClinVar aggregate classification (germline): Uncertain significance (1 of 4 stars; one submission).

Conditions:
Developmental and epileptic encephalopathy, 53. Also called: Epileptic encephalopathy, early infantile, 53. Identifiers: MedGen C4479313, MONDO:0033362, OMIM 617389.
Early-onset Parkinson disease 20. Also called: PARKINSON DISEASE 20, AUTOSOMAL RECESSIVE EARLY-ONSET. Identifiers: Orphanet 391411, MedGen C3809824, MONDO:0014233, OMIM 615530.

Submission:

Labcorp Genetics (formerly Invitae), Labcorp
Classification: Uncertain significance for Developmental and epileptic encephalopathy, 53; Early-onset Parkinson disease 20. Last evaluated: 2020-07-09. Review status: criteria provided, single submitter. Criteria: Invitae Variant Classification Sherloc (09022015). Collection method: clinical testing. Allele origin: germline.
Comment: This variant has not been reported in the literature in individuals with SYNJ1-related conditions. This variant is not present in population databases (ExAC no frequency). This sequence change replaces alanine with proline at codon 1373 of the SYNJ1 protein (p.Ala1373Pro). The alanine residue is weakly conserved and there is a small physicochemical difference between alanine and proline. Algorithms developed to predict the effect of missense changes on protein structure and function (SIFT, PolyPhen-2, Align-GVGD) all suggest that this variant is likely to be tolerated, but these predictions have not been confirmed by published functional studies and their clinical significance is uncertain. In summary, the available evidence is currently insufficient to determine the role of this variant in disease. Therefore, it has been classified as a Variant of Uncertain Significance.